The following is an entry in ClinVar:

ClinVar aggregate classification (germline): Uncertain significance (1 of 4 stars; one submission).

Submission:

Labcorp Genetics (formerly Invitae), Labcorp
Classification: Uncertain significance. Last evaluated: 2025-05-21. Review status: criteria provided, single submitter. Criteria: Invitae Variant Classification Sherloc (09022015). Collection method: clinical testing. Allele origin: germline.
Comment: This sequence change replaces methionine, which is neutral and non-polar, with valine, which is neutral and non-polar, at codon 131 of the MAP3K7 protein (p.Met131Val). This variant is present in population databases (rs776294688, gnomAD 0.01%). This variant has not been reported in the literature in individuals affected with MAP3K7-related conditions. An algorithm developed to predict the effect of missense changes on protein structure and function (PolyPhen-2) suggests that this variant is likely to be disruptive. In summary, the available evidence is currently insufficient to determine the role of this variant in disease. Therefore, it has been classified as a Variant of Uncertain Significance.

NM_145331.3(MAP3K7):c.391A>G (p.Met131Val)

Gene: MAP3K7 (mitogen-activated protein kinase kinase kinase 7; minus strand). Cytogenetic location: 6q15.
Variant type: single nucleotide variant.
Coding change: c.391A>G on transcript NM_145331.3 (MANE Select); coding-DNA position 391, A replaced by G.
Protein change: p.Met131Val; replaces methionine 131 with valine.
Molecular consequence: missense variant.
Genome position (GRCh38, 1-based): chr6:90,560,167, T>C on the plus strand (A>G on the coding strand, the complement: MAP3K7 is on the minus strand). VCF-style: chr6-90560167-T-C. GRCh37 (hg19) VCF-style: chr6-91269886-T-C.
Other names: c.391A>G, p.Met131Val (NM_003188.4, NM_145332.3, NM_145333.3); short protein forms M131V.
Identifiers: ClinVar variation 4741282 (VCV004741282.1).